The following is an entry in ClinVar:

ClinVar aggregate classification (germline): Uncertain significance (1 of 4 stars; one submission).

Conditions:
Developmental and epileptic encephalopathy 94 (DEE94). Also called: Epileptic encephalopathy, childhood-onset; CHD2-Related Neurodevelopmental Disorders. Identifiers: Orphanet 1942, Orphanet 2382, MedGen C3809278, MONDO:0014150, OMIM 615369.

Allele frequency attached by ClinVar (database versions not stated): ExAC 0.00001; gnomAD exomes 0.00001.
gnomAD v4.1: 20 of 1,613,706 alleles (0.0012%); highest among the groups gnomAD compares: East Asian, 0.0022%; no homozygotes.

Submission:

Labcorp Genetics (formerly Invitae), Labcorp
Classification: Uncertain significance for Developmental and epileptic encephalopathy 94. Last evaluated: 2025-03-15. Review status: criteria provided, single submitter. Criteria: Invitae Variant Classification Sherloc (09022015). Collection method: clinical testing. Allele origin: germline.
Comment: This sequence change replaces asparagine, which is neutral and polar, with serine, which is neutral and polar, at codon 854 of the CHD2 protein (p.Asn854Ser). This variant is present in population databases (rs746103401, gnomAD 0.0009%). This variant has not been reported in the literature in individuals affected with CHD2-related conditions. ClinVar contains an entry for this variant (Variation ID: 2061221). Invitae Evidence Modeling of protein sequence and biophysical properties (such as structural, functional, and spatial information, amino acid conservation, physicochemical variation, residue mobility, and thermodynamic stability) has been performed for this missense variant. However, the output from this modeling did not meet the statistical confidence thresholds required to predict the impact of this variant on CHD2 protein function. In summary, the available evidence is currently insufficient to determine the role of this variant in disease. Therefore, it has been classified as a Variant of Uncertain Significance.

NM_001271.4(CHD2):c.2561A>G (p.Asn854Ser)

Gene: CHD2 (chromodomain helicase DNA binding protein 2; plus strand). Cytogenetic location: 15q26.1.
Variant type: single nucleotide variant.
Coding change: c.2561A>G on transcript NM_001271.4 (MANE Select); coding-DNA position 2561, A replaced by G.
Protein change: p.Asn854Ser; replaces asparagine 854 with serine.
Molecular consequence: missense variant.
Genome position (GRCh38, 1-based): chr15:92,974,934, A>G. VCF-style: chr15-92974934-A-G. GRCh37 (hg19) VCF-style: chr15-93518164-A-G.
Other names: short protein forms N854S.
Identifiers: ClinVar variation 2061221 (VCV002061221.4), dbSNP rs746103401, ClinGen allele CA7748009.